The following is an entry in ClinVar:

ClinVar aggregate classification (germline): Likely pathogenic. Review status: criteria provided, multiple submitters, no conflicts (2 of 4 stars). 2 submissions from 2 submitters: Likely pathogenic (2). Last evaluated 2025-06-03.

Conditions:
KIAA0753-related disorder.

Allele frequency attached by ClinVar (database versions not stated): TOPMed 0.00002; gnomAD 0.00004.
gnomAD v4.1: 7 of 1,569,014 alleles (0.00045%); highest among the groups gnomAD compares: African/African-American, 0.0013%; no homozygotes.

Submissions (2):

Labcorp Genetics (formerly Invitae), Labcorp
Classification: Likely pathogenic. Last evaluated: 2025-06-03. Review status: criteria provided, single submitter. Criteria: Invitae Variant Classification Sherloc (09022015). Collection method: clinical testing. Allele origin: germline.
Comment: This sequence change affects a donor splice site in intron 2 of the KIAA0753 gene. It is expected to disrupt RNA splicing. Variants that disrupt the donor or acceptor splice site typically lead to a loss of protein function (PMID: 16199547), and loss-of-function variants in KIAA0753 are known to be pathogenic (PMID: 29138412). This variant is present in population databases (no rsID available, gnomAD 0.01%). This variant has not been reported in the literature in individuals affected with KIAA0753-related conditions. ClinVar contains an entry for this variant (Variation ID: 2078164). Algorithms developed to predict the effect of sequence changes on RNA splicing suggest that this variant may disrupt the consensus splice site. In summary, the currently available evidence indicates that the variant is pathogenic, but additional data are needed to prove that conclusively. Therefore, this variant has been classified as Likely Pathogenic.

Blueprint Genetics
Classification: Likely pathogenic for KIAA0753-related disorders. Last evaluated: 2019-01-07. Review status: criteria provided, single submitter. Criteria: ACMG Guidelines, 2015. Collection method: clinical testing. Allele origin: germline. Affected: yes. Observed: 1 variant allele.

Literature cited by the submitters: PubMed 16199547 (cited by Labcorp Genetics (formerly Invitae), Labcorp); PubMed 29138412 (cited by Labcorp Genetics (formerly Invitae), Labcorp).

NM_014804.3(KIAA0753):c.93+2T>A

Gene: KIAA0753 (KIAA0753; minus strand). Cytogenetic location: 17p13.1.
Variant type: single nucleotide variant.
Coding change: c.93+2T>A on transcript NM_014804.3 (MANE Select); the canonical splice donor site of the intron after coding-DNA position 93, T replaced by A.
Molecular consequence: splice donor variant.
Genome position (GRCh38, 1-based): chr17:6,635,009, A>T on the plus strand (T>A on the coding strand, the complement: KIAA0753 is on the minus strand). VCF-style: chr17-6635009-A-T. GRCh37 (hg19) VCF-style: chr17-6538329-A-T.
Other names: c.-1142+2T>A (NM_001351225.2).
Identifiers: ClinVar variation 2078164 (VCV002078164.5), dbSNP rs1342935033, ClinGen allele CA397716627.
Genomic context (GRCh38, chr17:6,635,009, plus strand): 5'-TTCTTTCAAATTTTATGTTTGAAATATTTAATAATAAAAATCTCAGGCAAAAATAGAACT[A>T]CCTGGGTCTGAAGTACTTTGGGGTCGCTCCTCCCATCAAGTTGGGTCCTAGGTGCTAGAT-3'